The following is an entry in ClinVar:

ClinVar aggregate classification (germline): Uncertain significance. Review status: criteria provided, multiple submitters, no conflicts (2 of 4 stars). 4 submissions from 4 submitters: Uncertain significance (4). Last evaluated 2025-12-09.

Conditions:
Inborn genetic diseases. Identifiers: MedGen C0950123, MeSH D030342.
Deafness-lymphedema-leukemia syndrome. Also called: Lymphedema, primary, with myelodysplasia; Emberger syndrome. Identifiers: Orphanet 3226, MedGen C3279664, MONDO:0013540, OMIM 614038.
Monocytopenia with susceptibility to infections. Also called: MONOCYTOPENIA AND MYCOBACTERIAL INFECTION SYNDROME; MONOCYTOPENIA WITH SUSCEPTIBILITY TO MYCOBACTERIAL, FUNGAL, AND PAPILLOMAVIRUS INFECTIONS AND MYELODYSPLASIA; COMBINED IMMUNODEFICIENCY WITH SUSCEPTIBILITY TO MYCOBACTERIAL, VIRAL, AND FUNGAL INFECTIONS; Dendritic cell, monocyte, B lymphocyte, and natural killer lymphocyte deficiency; IMMUNODEFICIENCY 21; GATA2 DEFICIENCY. Identifiers: Orphanet 228423, MedGen C3280030, MONDO:0013607, OMIM 614172.
Acute myeloid leukemia (AML). Also called: Acute myeloid leukemia, adult; AML adult; Acute non-lymphocytic leukemia; Acute granulocytic leukemia; Leukemia, acute myeloid, somatic; Leukemia, acute myelogenous, somatic. Identifiers: Orphanet 519, MedGen C0023467, MeSH D015470, MONDO:0018874, OMIM 601626, HP:0004808. Disease mechanism: Constitutively activated FLT3.

Submissions (4):

Ambry Genetics
Classification: Uncertain significance for Inborn genetic diseases. Last evaluated: 2025-12-09. Review status: criteria provided, single submitter. Criteria: Ambry Variant Classification Scheme 2023. Collection method: clinical testing. Allele origin: germline.

Labcorp Genetics (formerly Invitae), Labcorp
Classification: Uncertain significance for Monocytopenia with susceptibility to infections; Deafness-lymphedema-leukemia syndrome. Last evaluated: 2023-11-01. Review status: criteria provided, single submitter. Criteria: Invitae Variant Classification Sherloc (09022015). Collection method: clinical testing. Allele origin: germline.
Comment: This sequence change replaces proline, which is neutral and non-polar, with serine, which is neutral and polar, at codon 22 of the GATA2 protein (p.Pro22Ser). This variant is present in population databases (no rsID available, gnomAD 0.003%). This variant has not been reported in the literature in individuals affected with GATA2-related conditions. ClinVar contains an entry for this variant (Variation ID: 837087). Advanced modeling of protein sequence and biophysical properties (such as structural, functional, and spatial information, amino acid conservation, physicochemical variation, residue mobility, and thermodynamic stability) performed at Invitae indicates that this missense variant is not expected to disrupt GATA2 protein function with a negative predictive value of 95%. In summary, the available evidence is currently insufficient to determine the role of this variant in disease. Therefore, it has been classified as a Variant of Uncertain Significance.

Baylor Genetics
Classification: Uncertain significance for Acute myeloid leukemia. Last evaluated: 2023-07-22. Review status: criteria provided, single submitter. Criteria: ACMG Guidelines, 2015. Collection method: clinical testing. Allele origin: unknown.

GeneDx
Classification: Uncertain significance. Last evaluated: 2023-06-20. Review status: criteria provided, single submitter. Criteria: GeneDx Variant Classification Process June 2021. Collection method: clinical testing. Allele origin: germline. Affected: yes.
Comment: Not observed at significant frequency in large population cohorts (gnomAD); In silico analysis supports that this missense variant has a deleterious effect on protein structure/function; Has not been previously published as pathogenic or benign to our knowledge; This variant is associated with the following publications: (PMID: 31772163)

NM_032638.5(GATA2):c.64C>T (p.Pro22Ser)

Gene: GATA2 (GATA binding protein 2; minus strand). Cytogenetic location: 3q21.3.
Variant type: single nucleotide variant.
Coding change: c.64C>T on transcript NM_032638.5 (MANE Select); coding-DNA position 64, C replaced by T.
Protein change: p.Pro22Ser; replaces proline 22 with serine.
Molecular consequence: missense variant.
Genome position (GRCh38, 1-based): chr3:128,486,968, G>A on the plus strand (C>T on the coding strand, the complement: GATA2 is on the minus strand). VCF-style: chr3-128486968-G-A. GRCh37 (hg19) VCF-style: chr3-128205811-G-A.
Other names: c.64C>T, p.Pro22Ser (NM_001145661.2, NM_001145662.1); short protein forms P22S.
Identifiers: ClinVar variation 837087 (VCV000837087.13), dbSNP rs1172590651, ClinGen allele CA354409087.
Genomic context (GRCh38, chr3:128,486,968, plus strand): 5'-GAGGCAGCAGCTGCGCGGGTTCCATGTAGTTGTGCGCCAGGCCCGGGTGGTGTGAGTCGG[G>A]GTGCTGCGCATTCAGCACGGCCGGGTGCGCCATCCAGCGCGGCTGCTCGGGCGCCACCTC-3'
Protein context (NP_116027.2, residues 12-32): AHPAVLNAQH[Pro22Ser]DSHHPGLAHN